The following is an entry in ClinVar:

NM_021813.4(BACH2):c.2066T>G (p.Leu689Trp)

Gene: BACH2 (BACH transcriptional regulator 2; minus strand). Cytogenetic location: 6q15.
Variant type: single nucleotide variant.
Coding change: c.2066T>G on transcript NM_021813.4 (MANE Select); coding-DNA position 2066, T replaced by G.
Protein change: p.Leu689Trp; replaces leucine 689 with tryptophan.
Molecular consequence: missense variant.
Genome position (GRCh38, 1-based): chr6:89,932,868, A>C on the plus strand (T>G on the coding strand, the complement: BACH2 is on the minus strand). VCF-style: chr6-89932868-A-C. GRCh37 (hg19) VCF-style: chr6-90642587-A-C.
Other names: c.2066T>G, p.Leu689Trp (NM_001170794.2); short protein forms L689W.
Identifiers: ClinVar variation 3647725 (VCV003647725.2).
Genomic context (GRCh38, chr6:89,932,868, plus strand): 5'-AGGCAGGAGAAGTTGTCCAACAGTTCCCCCATGCATGCTTTCAGTTGATTCCTCTCTGAC[A>C]ACAGTTTCTCTTTCTCACACACCTGGACAGTAGAGAAAAAAAGAGAAGGGTTGATCAAGC-3'
Protein context (NP_068585.1, residues 679-699): RKLVCEKEKL[Leu689Trp]SERNQLKACM

ClinVar aggregate classification (germline): Uncertain significance (1 of 4 stars; one submission).

Submission:

Labcorp Genetics (formerly Invitae), Labcorp
Classification: Uncertain significance. Last evaluated: 2024-04-03. Review status: criteria provided, single submitter. Criteria: Invitae Variant Classification Sherloc (09022015). Collection method: clinical testing. Allele origin: germline.
Comment: This sequence change replaces leucine, which is neutral and non-polar, with tryptophan, which is neutral and slightly polar, at codon 689 of the BACH2 protein (p.Leu689Trp). This variant is not present in population databases (gnomAD no frequency). This variant has not been reported in the literature in individuals affected with BACH2-related conditions. Advanced modeling of protein sequence and biophysical properties (such as structural, functional, and spatial information, amino acid conservation, physicochemical variation, residue mobility, and thermodynamic stability) performed at Invitae indicates that this missense variant is expected to disrupt BACH2 protein function with a positive predictive value of 80%. In summary, the available evidence is currently insufficient to determine the role of this variant in disease. Therefore, it has been classified as a Variant of Uncertain Significance.